The following is an entry in ClinVar:

ClinVar aggregate classification (germline): Uncertain significance (1 of 4 stars; one submission).

Submission:

Ambry Genetics
Classification: Uncertain significance. Last evaluated: 2024-07-25. Review status: criteria provided, single submitter. Criteria: Ambry Variant Classification Scheme 2023. Collection method: clinical testing. Allele origin: germline.
Comment: The p.L1493P variant (also known as c.4478T>C), located in coding exon 40 of the KIF1B gene, results from a T to C substitution at nucleotide position 4478. The leucine at codon 1493 is replaced by proline, an amino acid with similar properties. This amino acid position is conserved. In addition, the in silico prediction for this alteration is inconclusive. Based on the available evidence, the clinical significance of this variant remains unclear.

NM_001365951.3(KIF1B):c.4616T>C (p.Leu1539Pro)

Gene: KIF1B (kinesin family member 1B; plus strand). Cytogenetic location: 1p36.22.
Variant type: single nucleotide variant.
Coding change: c.4616T>C on transcript NM_001365951.3 (MANE Select); coding-DNA position 4616, T replaced by C.
Protein change: p.Leu1539Pro; replaces leucine 1539 with proline.
Molecular consequence: missense variant.
Genome position (GRCh38, 1-based): chr1:10,365,512, T>C. VCF-style: chr1-10365512-T-C. GRCh37 (hg19) VCF-style: chr1-10425570-T-C.
Other names: c.4616T>C, p.Leu1539Pro (NM_001365952.1); c.4478T>C, p.Leu1493Pro (NM_015074.3); short protein forms L1493P, L1539P.
Identifiers: ClinVar variation 3533944 (VCV003533944.1).